The following is an entry in ClinVar:

ClinVar aggregate classification (germline): Uncertain significance (1 of 4 stars; one submission).

Submission:

Labcorp Genetics (formerly Invitae), Labcorp
Classification: Uncertain significance. Last evaluated: 2020-11-23. Review status: criteria provided, single submitter. Criteria: Invitae Variant Classification Sherloc (09022015). Collection method: clinical testing. Allele origin: germline.
Comment: This sequence change replaces tyrosine with histidine at codon 88 of the HOXB13 protein (p.Tyr88His). The tyrosine residue is moderately conserved and there is a moderate physicochemical difference between tyrosine and histidine. In summary, the available evidence is currently insufficient to determine the role of this variant in disease. Therefore, it has been classified as a Variant of Uncertain Significance. Algorithms developed to predict the effect of missense changes on protein structure and function are either unavailable or do not agree on the potential impact of this missense change (SIFT: "Tolerated"; PolyPhen-2: "Probably Damaging"; Align-GVGD: "Class C0"). This variant has not been reported in the literature in individuals with HOXB13-related conditions. This variant is not present in population databases (ExAC no frequency).

NM_006361.6(HOXB13):c.262T>C (p.Tyr88His)

Gene: HOXB13 (homeobox B13; minus strand). Cytogenetic location: 17q21.32.
Variant type: single nucleotide variant.
Coding change: c.262T>C on transcript NM_006361.6 (MANE Select); coding-DNA position 262, T replaced by C.
Protein change: p.Tyr88His; replaces tyrosine 88 with histidine.
Molecular consequence: missense variant.
Genome position (GRCh38, 1-based): chr17:48,728,332, A>G on the plus strand (T>C on the coding strand, the complement: HOXB13 is on the minus strand). VCF-style: chr17-48728332-A-G. GRCh37 (hg19) VCF-style: chr17-46805694-A-G.
Other names: short protein forms Y88H.
Identifiers: ClinVar variation 1403663 (VCV001403663.8), dbSNP rs1597934622, ClinGen allele CA400107814.